The following is an entry in ClinVar:

NM_005866.4(SIGMAR1):c.207C>T (p.His69=)

Gene: SIGMAR1 (sigma receptor chaperone 1; minus strand). Cytogenetic location: 9p13.3.
Variant type: single nucleotide variant.
Coding change: c.207C>T on transcript NM_005866.4 (MANE Select); coding-DNA position 207, C replaced by T.
Protein change: p.His69=; no amino-acid change (histidine 69 retained).
Molecular consequence: synonymous variant. On other transcripts: 5 prime UTR variant (1), non-coding transcript variant (1).
Genome position (GRCh38, 1-based): chr9:34,637,365, G>A on the plus strand (C>T on the coding strand, the complement: SIGMAR1 is on the minus strand). VCF-style: chr9-34637365-G-A. GRCh37 (hg19) VCF-style: chr9-34637362-G-A.
Other names: c.207C>T, p.His69= (NM_001282205.2, NM_001282208.2, NM_001282209.2 and 1 more transcripts); c.-47C>T (NM_001282206.2); c.147C>T, p.His49= (NM_001282207.2); c.207C>T (NM_005866.3).
Identifiers: ClinVar variation 2922020 (VCV002922020.4), dbSNP rs751172704, ClinGen allele CA5035926.

ClinVar aggregate classification (germline): Likely benign. Review status: criteria provided, multiple submitters, no conflicts (2 of 4 stars). 2 submissions from 2 submitters: Likely benign (2). Last evaluated 2025-09-23.

Conditions:
Amyotrophic lateral sclerosis type 16. Also called: AMYOTROPHIC LATERAL SCLEROSIS 16, JUVENILE. Identifiers: Orphanet 300605, MedGen C3280587, MONDO:0013715, OMIM 614373.
Autosomal recessive distal spinal muscular atrophy 2. Also called: NEURONOPATHY, DISTAL HEREDITARY MOTOR, JERASH TYPE; NEUROPATHY, DISTAL HEREDITARY MOTOR, JERASH TYPE; SPINAL MUSCULAR ATROPHY, JERASH TYPE; Hereditary motor neuropathy, Jerash type; Motor neuropathy, distal, Jerash type; NEUROPATHY, DISTAL HEREDITARY MOTOR, AUTOSOMAL RECESSIVE 2. Identifiers: Orphanet 139552, MedGen C1854023, MONDO:0011585, OMIM 605726.
SIGMAR1-related disorder. Also called: SIGMAR1-related condition.

Allele frequency attached by ClinVar (database versions not stated): ExAC 0.00001.
gnomAD v4.1: 8 of 1,605,632 alleles (0.0005%); highest among the groups gnomAD compares: Non-Finnish European, 0.00068%; no homozygotes.

Submissions (2):

PreventionGenetics, part of Exact Sciences
Classification: Likely benign for SIGMAR1-related condition. Last evaluated: 2025-09-23. Review status: criteria provided, single submitter. Criteria: ACMG Guidelines, 2015. Collection method: clinical testing. Allele origin: germline.
Comment: This variant is classified as likely benign based on ACMG/AMP sequence variant interpretation guidelines (Richards et al. 2015 PMID: 25741868, with internal and published modifications).

Labcorp Genetics (formerly Invitae), Labcorp
Classification: Likely benign for Autosomal recessive distal spinal muscular atrophy 2; Amyotrophic lateral sclerosis type 16. Last evaluated: 2025-02-24. Review status: criteria provided, single submitter. Criteria: Invitae Variant Classification Sherloc (09022015). Collection method: clinical testing. Allele origin: germline.